The following is an entry in ClinVar:

NM_139343.3(BIN1):c.769A>G (p.Ser257Gly)

Gene: BIN1 (bridging integrator 1; minus strand). Cytogenetic location: 2q14.3.
Variant type: single nucleotide variant.
Coding change: c.769A>G on transcript NM_139343.3 (MANE Select); coding-DNA position 769, A replaced by G.
Protein change: p.Ser257Gly; replaces serine 257 with glycine.
Molecular consequence: missense variant.
Genome position (GRCh38, 1-based): chr2:127,063,576, T>C on the plus strand (A>G on the coding strand, the complement: BIN1 is on the minus strand). VCF-style: chr2-127063576-T-C. GRCh37 (hg19) VCF-style: chr2-127821152-T-C.
Other names: c.676A>G, p.Ser226Gly (NM_001320632.2, NM_001320641.2, NM_004305.4 and 6 more transcripts); c.769A>G, p.Ser257Gly (NM_001320633.2, NM_001320640.2, NM_139344.3 and 1 more transcripts); c.604A>G, p.Ser202Gly (NM_001320634.1); c.688A>G, p.Ser230Gly (NM_001320642.1); c.769A>G (NM_139343.2); short protein forms S202G, S230G, S226G, S257G.
Identifiers: ClinVar variation 2969899 (VCV002969899.4), dbSNP rs764396677, ClinGen allele CA1857346.

ClinVar aggregate classification (germline): Uncertain significance. Review status: criteria provided, multiple submitters, no conflicts (2 of 4 stars). 2 submissions from 2 submitters: Uncertain significance (2). Last evaluated 2025-01-02.

Conditions:
Myopathy, centronuclear, 2 (CNM2). Also called: MYOTUBULAR MYOPATHY, AUTOSOMAL RECESSIVE. Identifiers: Orphanet 169186, MedGen CN031787, MONDO:0009709, OMIM 255200.
Inborn genetic diseases. Identifiers: MedGen C0950123, MeSH D030342.

Allele frequency attached by ClinVar (database versions not stated): gnomAD exomes 0.00001; ExAC 0.00004.

Submissions (2):

Ambry Genetics
Classification: Uncertain significance for Inborn genetic diseases. Last evaluated: 2025-01-02. Review status: criteria provided, single submitter. Criteria: Ambry Variant Classification Scheme 2023. Collection method: clinical testing. Allele origin: germline.

Labcorp Genetics (formerly Invitae), Labcorp
Classification: Uncertain significance for Myopathy, centronuclear, 2. Last evaluated: 2023-12-13. Review status: criteria provided, single submitter. Criteria: Invitae Variant Classification Sherloc (09022015). Collection method: clinical testing. Allele origin: germline.
Comment: This sequence change replaces serine, which is neutral and polar, with glycine, which is neutral and non-polar, at codon 257 of the BIN1 protein (p.Ser257Gly). This variant is present in population databases (rs764396677, gnomAD 0.004%). This variant has not been reported in the literature in individuals affected with BIN1-related conditions. Advanced modeling of protein sequence and biophysical properties (such as structural, functional, and spatial information, amino acid conservation, physicochemical variation, residue mobility, and thermodynamic stability) performed at Invitae indicates that this missense variant is not expected to disrupt BIN1 protein function with a negative predictive value of 80%. In summary, the available evidence is currently insufficient to determine the role of this variant in disease. Therefore, it has been classified as a Variant of Uncertain Significance.